The following is an entry in ClinVar:

ClinVar aggregate classification (germline): Uncertain significance (1 of 4 stars; one submission).

Conditions:
Inborn genetic diseases. Identifiers: MedGen C0950123, MeSH D030342.

Submission:

Ambry Genetics
Classification: Uncertain significance for Inborn genetic diseases. Last evaluated: 2021-12-20. Review status: criteria provided, single submitter. Criteria: Ambry Variant Classification Scheme 2023. Collection method: clinical testing. Allele origin: germline.
Comment: The p.P785L variant (also known as c.2354C>T), located in coding exon 15 of the EPAS1 gene, results from a C to T substitution at nucleotide position 2354. The proline at codon 785 is replaced by leucine, an amino acid with similar properties. This amino acid position is conserved. In addition, this alteration is predicted to be tolerated by in silico analysis. Since supporting evidence is limited at this time, the clinical significance of this alteration remains unclear.

NM_001430.5(EPAS1):c.2354C>T (p.Pro785Leu)

Gene: EPAS1 (endothelial PAS domain protein 1; plus strand). Cytogenetic location: 2p21.
Variant type: single nucleotide variant.
Coding change: c.2354C>T on transcript NM_001430.5 (MANE Select); coding-DNA position 2354, C replaced by T.
Protein change: p.Pro785Leu; replaces proline 785 with leucine.
Molecular consequence: missense variant.
Genome position (GRCh38, 1-based): chr2:46,382,491, C>T. VCF-style: chr2-46382491-C-T. GRCh37 (hg19) VCF-style: chr2-46609630-C-T.
Other names: short protein forms P785L.
Identifiers: ClinVar variation 1790056 (VCV001790056.2), dbSNP rs2546480828, ClinGen allele CA346706094.